The following is an entry in ClinVar:

ClinVar aggregate classification (germline): Benign (1 of 4 stars; one submission).

Conditions:
Multiple synostoses syndrome 3 (SYNS3). Identifiers: Orphanet 3237, MedGen C2751826, MONDO:0013064, OMIM 612961.

Allele frequency attached by ClinVar (database versions not stated): 1000 Genomes Project 0.00060; 1000 Genomes Project 30x 0.00062; gnomAD 0.00141 and 0.00146; TOPMed 0.00146; gnomAD exomes 0.00154.
gnomAD v4.1: 693 of 460,590 alleles (0.15%); highest among the groups gnomAD compares: Middle Eastern, 0.22%; 1 homozygote.

Submission:

Illumina Laboratory Services, Illumina
Classification: Benign for Multiple synostoses syndrome 3. Last evaluated: 2018-01-12. Review status: criteria provided, single submitter. Criteria: ICSL Variant Classification Criteria 13 December 2019. Collection method: clinical testing. Allele origin: germline.
Comment: This variant was observed in the ICSL laboratory as part of a predisposition screen in an ostensibly healthy population. It had not been previously curated by ICSL or reported in the Human Gene Mutation Database (HGMD: prior to June 1st, 2018), and was therefore a candidate for classification through an automated scoring system. Utilizing variant allele frequency, disease prevalence and penetrance estimates, and inheritance mode, an automated score was calculated to assess if this variant is too frequent to cause the disease. Based on the score and internal cut-off values, a variant classified as benign is not then subjected to further curation. The score for this variant resulted in a classification of benign for this disease.

NM_002010.3(FGF9):c.-414C>T

Gene: FGF9 (fibroblast growth factor 9; plus strand). Cytogenetic location: 13q12.11.
Variant type: single nucleotide variant.
Coding change: c.-414C>T on transcript NM_002010.3 (MANE Select); 414 bases upstream of the start codon, C replaced by T.
Molecular consequence: 5 prime UTR variant.
Genome position (GRCh38, 1-based): chr13:21,671,499, C>T. VCF-style: chr13-21671499-C-T. GRCh37 (hg19) VCF-style: chr13-22245638-C-T.
Identifiers: ClinVar variation 311410 (VCV000311410.5), dbSNP rs187418449, ClinGen allele CA10639128.